The following is an entry in ClinVar:

ClinVar aggregate classification (germline): Uncertain significance. Review status: criteria provided, multiple submitters, no conflicts (2 of 4 stars). 2 submissions from 2 submitters: Uncertain significance (2). Last evaluated 2022-09-01.

gnomAD v4.1: 13 of 1,613,902 alleles (0.00081%); highest among the groups gnomAD compares: Non-Finnish European, 0.0011%; no homozygotes.

Submissions (2):

GeneDx
Classification: Uncertain significance. Last evaluated: 2022-09-01. Review status: criteria provided, single submitter. Criteria: GeneDx Variant Classification Process June 2021. Collection method: clinical testing. Allele origin: germline. Affected: yes.
Comment: Has not been previously published as pathogenic or benign to our knowledge; Not observed at significant frequency in large population cohorts (gnomAD); In silico analysis supports that this missense variant has a deleterious effect on protein structure/function

Labcorp Genetics (formerly Invitae), Labcorp
Classification: Uncertain significance. Last evaluated: 2022-07-06. Review status: criteria provided, single submitter. Criteria: Invitae Variant Classification Sherloc (09022015). Collection method: clinical testing. Allele origin: germline.
Comment: This sequence change replaces aspartic acid, which is acidic and polar, with tyrosine, which is neutral and polar, at codon 254 of the PHYH protein (p.Asp254Tyr). This variant is not present in population databases (gnomAD no frequency). This variant has not been reported in the literature in individuals affected with PHYH-related conditions. ClinVar contains an entry for this variant (Variation ID: 1377863). Algorithms developed to predict the effect of missense changes on protein structure and function (SIFT, PolyPhen-2, Align-GVGD) all suggest that this variant is likely to be disruptive. In summary, the available evidence is currently insufficient to determine the role of this variant in disease. Therefore, it has been classified as a Variant of Uncertain Significance.

NM_006214.4(PHYH):c.760G>T (p.Asp254Tyr)

Gene: PHYH (phytanoyl-CoA 2-hydroxylase; minus strand). Cytogenetic location: 10p13.
Variant type: single nucleotide variant.
Coding change: c.760G>T on transcript NM_006214.4 (MANE Select); coding-DNA position 760, G replaced by T.
Protein change: p.Asp254Tyr; replaces aspartic acid 254 with tyrosine.
Molecular consequence: missense variant.
Genome position (GRCh38, 1-based): chr10:13,283,758, C>A on the plus strand (G>T on the coding strand, the complement: PHYH is on the minus strand). VCF-style: chr10-13283758-C-A. GRCh37 (hg19) VCF-style: chr10-13325758-C-A.
Other names: c.460G>T, p.Asp154Tyr (NM_001037537.2, NM_001323080.2); c.766G>T, p.Asp256Tyr (NM_001323082.2); c.496G>T, p.Asp166Tyr (NM_001323083.2); c.466G>T, p.Asp156Tyr (NM_001323084.2); c.760G>T (NM_006214.3); short protein forms D256Y, D156Y, D166Y, D154Y, D254Y.
Identifiers: ClinVar variation 1377863 (VCV001377863.3), dbSNP rs139329047, ClinGen allele CA376034187.